The following is an entry in ClinVar:

ClinVar aggregate classification (germline): Uncertain significance (1 of 4 stars; one submission).

Conditions:
Autosomal recessive ataxia, Beauce type. Also called: SYNE1-Related Autosomal Recessive Cerebellar Ataxia; SYNE1 Deficiency; Spinocerebellar ataxia, autosomal recessive 8; ATAXIA, RECESSIVE, OF BEAUCE. Identifiers: Orphanet 88644, MedGen C1853116, MONDO:0012549, OMIM 610743.
Emery-Dreifuss muscular dystrophy 4, autosomal dominant (EDMD4). Also called: EMERY-DREIFUSS MUSCULAR DYSTROPHY 4 WITH VARIABLE FEATURES. Identifiers: Orphanet 261, MedGen C2751807, MONDO:0013071, OMIM 612998.

gnomAD v4.1: 2 of 1,614,098 alleles (0.00012%); highest among the groups gnomAD compares: South Asian, 0.0011%; no homozygotes.

Submission:

Labcorp Genetics (formerly Invitae), Labcorp
Classification: Uncertain significance for Emery-Dreifuss muscular dystrophy 4, autosomal dominant; Autosomal recessive ataxia, Beauce type. Last evaluated: 2021-03-22. Review status: criteria provided, single submitter. Criteria: Invitae Variant Classification Sherloc (09022015). Collection method: clinical testing. Allele origin: germline.
Comment: This variant is not present in population databases (ExAC no frequency). This variant has not been reported in the literature in individuals with SYNE1-related conditions. Algorithms developed to predict the effect of missense changes on protein structure and function are either unavailable or do not agree on the potential impact of this missense change (SIFT: "Deleterious"; PolyPhen-2: "Benign"; Align-GVGD: "Class C0"). In summary, the available evidence is currently insufficient to determine the role of this variant in disease. Therefore, it has been classified as a Variant of Uncertain Significance. This sequence change replaces leucine with valine at codon 8151 of the SYNE1 protein (p.Leu8151Val). The leucine residue is highly conserved and there is a small physicochemical difference between leucine and valine.

NM_182961.4(SYNE1):c.24664C>G (p.Leu8222Val)

Gene: SYNE1 (spectrin repeat containing nuclear envelope protein 1; minus strand). Cytogenetic location: 6q25.2.
Variant type: single nucleotide variant.
Coding change: c.24664C>G on transcript NM_182961.4 (MANE Select); coding-DNA position 24664, C replaced by G.
Protein change: p.Leu8222Val; replaces leucine 8222 with valine.
Molecular consequence: missense variant.
Genome position (GRCh38, 1-based): chr6:152,148,357, G>C on the plus strand (C>G on the coding strand, the complement: SYNE1 is on the minus strand). VCF-style: chr6-152148357-G-C. GRCh37 (hg19) VCF-style: chr6-152469492-G-C.
Other names: c.1270C>G, p.Leu424Val (NM_001347701.2); c.1129C>G, p.Leu377Val (NM_001347702.2); c.24451C>G, p.Leu8151Val (NM_033071.5); short protein forms L8151V, L8222V, L377V, L424V.
Identifiers: ClinVar variation 1346353 (VCV001346353.8), dbSNP rs2152881730, ClinGen allele CA366085504.